The following is an entry in ClinVar:

NM_000052.7(ATP7A):c.1136C>G (p.Thr379Ser)

Gene: ATP7A (ATPase copper transporting alpha; plus strand). Cytogenetic location: Xq21.1.
Variant type: single nucleotide variant.
Coding change: c.1136C>G on transcript NM_000052.7 (MANE Select); coding-DNA position 1136, C replaced by G.
Protein change: p.Thr379Ser; replaces threonine 379 with serine.
Molecular consequence: missense variant.
Genome position (GRCh38, 1-based): chrX:77,989,758, C>G. VCF-style: chrX-77989758-C-G. GRCh37 (hg19) VCF-style: chrX-77245254-C-G.
Other names: c.1136C>G, p.Thr379Ser (NM_001282224.2); c.1136C>G (NM_000052.4); short protein forms T379S.
Identifiers: ClinVar variation 1919520 (VCV001919520.3), dbSNP rs1603381546, ClinGen allele CA413601891.

ClinVar aggregate classification (germline): Uncertain significance. Review status: criteria provided, multiple submitters, no conflicts (2 of 4 stars). 2 submissions from 2 submitters: Uncertain significance (2). Last evaluated 2024-08-20.

Conditions:
Cutis laxa, X-linked (OHS). Also called: EDS IX; Occipital horn syndrome. Identifiers: Orphanet 198, MedGen C0268353, MONDO:0010572, OMIM 304150.
Menkes kinky-hair syndrome (MNK). Also called: Classic Menkes Disease; Copper transport disease; Menkes Disease. Identifiers: Orphanet 565, MedGen C0022716, MONDO:0010651, OMIM 309400.
X-linked distal spinal muscular atrophy type 3. Also called: NEURONOPATHY, DISTAL HEREDITARY MOTOR, X-LINKED; NEUROPATHY, DISTAL HEREDITARY MOTOR, X-LINKED; ATP7A-Related Distal Motor Neuropathy; SPINAL MUSCULAR ATROPHY, DISTAL, X-LINKED RECESSIVE. Identifiers: Orphanet 139557, MedGen C1845359, MONDO:0010338, OMIM 300489.
Inborn genetic diseases. Identifiers: MedGen C0950123, MeSH D030342.

Allele frequency attached by ClinVar (database versions not stated): gnomAD exomes below 0.00001.
gnomAD v4.1: 1 of 1,211,254 alleles (0.000083%); highest among the groups gnomAD compares: East Asian, 0.003%; no homozygotes.

Submissions (2):

Ambry Genetics
Classification: Uncertain significance for Inborn genetic diseases. Last evaluated: 2024-08-20. Review status: criteria provided, single submitter. Criteria: Ambry Variant Classification Scheme 2023. Collection method: clinical testing. Allele origin: germline.

Labcorp Genetics (formerly Invitae), Labcorp
Classification: Uncertain significance for X-linked distal spinal muscular atrophy type 3; Cutis laxa, X-linked; Menkes kinky-hair syndrome. Last evaluated: 2022-10-10. Review status: criteria provided, single submitter. Criteria: Invitae Variant Classification Sherloc (09022015). Collection method: clinical testing. Allele origin: germline.
Comment: This sequence change replaces threonine, which is neutral and polar, with serine, which is neutral and polar, at codon 379 of the ATP7A protein (p.Thr379Ser). This variant is not present in population databases (gnomAD no frequency). This variant has not been reported in the literature in individuals affected with ATP7A-related conditions. Advanced modeling of protein sequence and biophysical properties (such as structural, functional, and spatial information, amino acid conservation, physicochemical variation, residue mobility, and thermodynamic stability) performed at Invitae indicates that this missense variant is not expected to disrupt ATP7A protein function. In summary, the available evidence is currently insufficient to determine the role of this variant in disease. Therefore, it has been classified as a Variant of Uncertain Significance.